The following is an entry in ClinVar:

NM_001042646.3(TRAK1):c.2482C>T (p.Arg828Cys)

Gene: TRAK1 (trafficking kinesin protein 1; plus strand). Cytogenetic location: 3p22.1.
Variant type: single nucleotide variant.
Coding change: c.2482C>T on transcript NM_001042646.3 (MANE Select); coding-DNA position 2482, C replaced by T.
Protein change: p.Arg828Cys; replaces arginine 828 with cysteine.
Molecular consequence: missense variant. On other transcripts: 3 prime UTR variant (1), non-coding transcript variant (1).
Genome position (GRCh38, 1-based): chr3:42,223,357, C>T. VCF-style: chr3-42223357-C-T. GRCh37 (hg19) VCF-style: chr3-42264849-C-T.
Other names: c.2419C>T, p.Arg807Cys (NM_001349246.2); c.*436C>T (NM_001349247.2); c.2197C>T, p.Arg733Cys (NM_001349248.1); c.2260C>T, p.Arg754Cys (NM_001349249.1); c.2308C>T, p.Arg770Cys (NM_001410741.1); c.2107C>T, p.Arg703Cys (NM_001349245.1); short protein forms R703C, R733C, R754C, R770C, R807C, R828C.
Identifiers: ClinVar variation 1712567 (VCV001712567.6), dbSNP rs778956928, ClinGen allele CA2333870.
Genomic context (GRCh38, chr3:42,223,357, plus strand): 5'-AATTTCCTGGCTTCCAAGCCAGCCAGCTCCATCCTGAGGGAAGTGAGAGAAAAGAACGTC[C>T]GCAGCAGCGAGAGCCAGACCGACGTGTCCGTCTCCAACCTCAACCTCGTGGACAAAGTCA-3'
Protein context (NP_001036111.1, residues 818-838): ILREVREKNV[Arg828Cys]SSESQTDVSV

ClinVar aggregate classification (germline): Uncertain significance. Review status: criteria provided, multiple submitters, no conflicts (2 of 4 stars). 2 submissions from 2 submitters: Uncertain significance (2). Last evaluated 2025-11-11.

Conditions:
Inborn genetic diseases. Identifiers: MedGen C0950123, MeSH D030342.

Allele frequency attached by ClinVar (database versions not stated): TOPMed 0.00001; gnomAD exomes 0.00005; ExAC 0.00008; gnomAD 0.00003.
gnomAD v4.1: 81 of 1,614,084 alleles (0.005%); highest among the groups gnomAD compares: South Asian, 0.043%; no homozygotes.

Submissions (2):

Ambry Genetics
Classification: Uncertain significance for Inborn genetic diseases. Last evaluated: 2025-11-11. Review status: criteria provided, single submitter. Criteria: Ambry Variant Classification Scheme 2023. Collection method: clinical testing. Allele origin: germline.

GeneDx
Classification: Uncertain significance. Last evaluated: 2022-04-29. Review status: criteria provided, single submitter. Criteria: GeneDx Variant Classification Process June 2021. Collection method: clinical testing. Allele origin: germline. Affected: yes.
Comment: In silico analysis supports that this missense variant has a deleterious effect on protein structure/function; Has not been previously published as pathogenic or benign to our knowledge